The following is an entry in ClinVar:

NM_001999.4(FBN2):c.3062G>C (p.Arg1021Pro)

Genes: FBN2 (fibrillin 2; minus strand), LOC126807501 (BRD4-independent group 4 enhancer GRCh37_chr5:127680731-127681930; plus strand). Cytogenetic location: 5q23.3.
Variant type: single nucleotide variant.
Coding change: c.3062G>C on transcript NM_001999.4 (MANE Select); coding-DNA position 3062, G replaced by C.
Protein change: p.Arg1021Pro; replaces arginine 1021 with proline.
Molecular consequence: missense variant.
Genome position (GRCh38, 1-based): chr5:128,345,512, C>G on the plus strand (G>C on the coding strand, the complement: FBN2 is on the minus strand). VCF-style: chr5-128345512-C-G. GRCh37 (hg19) VCF-style: chr5-127681204-C-G.
Other names: short protein forms R1021P.
Identifiers: ClinVar variation 213298 (VCV000213298.15), dbSNP rs139620380, ClinGen allele CA320401.

ClinVar aggregate classification (germline): Uncertain significance. Review status: criteria provided, multiple submitters, no conflicts (2 of 4 stars). 3 submissions from 3 submitters: Uncertain significance (3). Last evaluated 2025-08-09.

Conditions:
Congenital contractural arachnodactyly (CCA). Also called: Beals-Hecht syndrome; BEALS SYNDROME; Arthrogryposis, distal, type 9. Identifiers: Orphanet 115, MedGen C0220668, MONDO:0007363, OMIM 121050.

Allele frequency attached by ClinVar (database versions not stated): TOPMed 0.00002.
gnomAD v4.1: 6 of 1,614,074 alleles (0.00037%); highest among the groups gnomAD compares: Non-Finnish European, 0.00051%; no homozygotes.

Submissions (3):

Labcorp Genetics (formerly Invitae), Labcorp
Classification: Uncertain significance for Congenital contractural arachnodactyly. Last evaluated: 2025-08-09. Review status: criteria provided, single submitter. Criteria: Invitae Variant Classification Sherloc (09022015). Collection method: clinical testing. Allele origin: germline.
Comment: This sequence change replaces arginine, which is basic and polar, with proline, which is neutral and non-polar, at codon 1021 of the FBN2 protein (p.Arg1021Pro). This variant is present in population databases (no rsID available, gnomAD 0.002%). This missense change has been observed in individual(s) with clinical features of congenital contractural arachnodactyly (internal data). ClinVar contains an entry for this variant (Variation ID: 213298). Invitae Evidence Modeling of protein sequence and biophysical properties (such as structural, functional, and spatial information, amino acid conservation, physicochemical variation, residue mobility, and thermodynamic stability) indicates that this missense variant is not expected to disrupt FBN2 protein function with a negative predictive value of 80%. In summary, the available evidence is currently insufficient to determine the role of this variant in disease. Therefore, it has been classified as a Variant of Uncertain Significance.

Illumina Laboratory Services, Illumina
Classification: Uncertain significance for Congenital contractural arachnodactyly. Last evaluated: 2018-01-12. Review status: criteria provided, single submitter. Criteria: ICSL Variant Classification Criteria 13 December 2019. Collection method: clinical testing. Allele origin: germline.

GeneDx
Classification: Uncertain significance. Last evaluated: 2017-10-12. Review status: criteria provided, single submitter. Criteria: GeneDx Variant Classification (06012015). Collection method: clinical testing. Allele origin: germline. Affected: yes.
Comment: p.Arg1021Pro (CGC>CCC): c.3062 G>C in exon 24 of the FBN2 gene (NM_001999.3) The R1021P variant has not been published as a mutation or been reported as a benign polymorphism to our knowledge. The R1021P variant was not observed in approximately 6,500 individuals of European and African American ancestry in the NHLBI Exome Sequencing Project, indicating it is not a common benign variant in these populations. The R1021P variant is a non-conservative amino acid substitution, which is likely to impact secondary protein structure as these residues differ in polarity, charge, size and/or other properties. This substitution occurs at a position that is conserved across species. In silico analysis predicts this variant is possibly damaging to protein structure/function. However, no missense mutations in nearby residues have been reported in association with congenital contractural arachnodactyly. Therefore, based on the currently available information, it is unclear whether this variant is a pathogenic mutation or a rare benign variant. This variant was found in TAAD